The following is an entry in ClinVar:

ClinVar aggregate classification (germline): Uncertain significance (1 of 4 stars; one submission).

Submission:

Women's Health and Genetics/Laboratory Corporation of America, LabCorp
Classification: Uncertain significance. Last evaluated: 2022-12-02. Review status: criteria provided, single submitter. Criteria: LabCorp Variant Classification Summary - May 2015. Collection method: clinical testing. Allele origin: germline.
Comment: Variant summary: The variant identified by MLPA or other technology involves the duplication of exons 1-6 in the PMM2 gene. A presumed nomenclature of c.(?_-71)_(523+1_524-1)dup has been designated for the purposes of this classification. It has been assumed that this is a tandem duplication in direct orientation (Richardson_GIM_2018, Newman_AJHG_2015). Although exact breakpoints of this CNV are not known, it is expected to result in a large duplication change in the PMM2 gene, including the initiation codon. A variant allele involving duplication of PMM2 exons 1-6 along with regions of other upstream genes, was found at a frequency of 0.00018 in 21692 control chromosomes (gnomAD, Structural Variants dataset). The available data on variant occurrences in the general population are insufficient to allow any conclusion about variant significance. To our knowledge, no occurrence of c.(?_-71)_(523+1_524-1)dup in individuals affected with Congenital Disorder Of Glycosylation Type 1a and no experimental evidence demonstrating its impact on protein function have been reported. No clinical diagnostic laboratories have submitted clinical-significance assessments for this variant to ClinVar after 2014. Based on the evidence outlined above, the variant was classified as uncertain significance.

NC_000016.9:g.(?_8891669)_(8905571_8906847)dup

Gene: PMM2 (phosphomannomutase 2; plus strand). Cytogenetic location: 16p13.2.
Variant type: Duplication.
Identifiers: ClinVar variation 1878291 (VCV001878291.1).